The following is an entry in ClinVar:

ClinVar aggregate classification (germline): Likely benign. Review status: criteria provided, multiple submitters, no conflicts (2 of 4 stars). 5 submissions from 5 submitters: Likely benign (5). Last evaluated 2026-01-19.

Conditions:
SBF1-related disorder. Also called: SBF1-related condition.

Allele frequency attached by ClinVar (database versions not stated): ESP Exome Variant Server 0.00016; gnomAD 0.00021 and 0.00026; TOPMed 0.00026; ExAC 0.00028; gnomAD exomes 0.00034; 1000 Genomes Project 0.00040; 1000 Genomes Project 30x 0.00047.
gnomAD v4.1: 537 of 1,614,006 alleles (0.033%); highest among the groups gnomAD compares: Admixed American, 0.063%; 1 homozygote.

Submissions (5):

Women's Health and Genetics/Laboratory Corporation of America, LabCorp
Classification: Likely benign. Last evaluated: 2026-01-19. Review status: criteria provided, single submitter. Criteria: LabCorp Variant Classification Summary - May 2015. Collection method: clinical testing. Allele origin: germline.

PreventionGenetics, part of Exact Sciences
Classification: Likely benign for SBF1-related condition. Last evaluated: 2026-01-02. Review status: criteria provided, single submitter. Criteria: ACMG Guidelines, 2015. Collection method: clinical testing. Allele origin: germline.
Comment: This variant is classified as likely benign based on ACMG/AMP sequence variant interpretation guidelines (Richards et al. 2015 PMID: 25741868, with internal and published modifications).

Labcorp Genetics (formerly Invitae), Labcorp
Classification: Likely benign. Last evaluated: 2025-12-21. Review status: criteria provided, single submitter. Criteria: Invitae Variant Classification Sherloc (09022015). Collection method: clinical testing. Allele origin: germline.

Mayo Clinic Laboratories, Mayo Clinic
Classification: Likely benign. Last evaluated: 2024-12-04. Review status: criteria provided, single submitter. Criteria: ACMG Guidelines, 2015. Collection method: clinical testing. Allele origin: germline. Observed: 2 variant alleles.
Comment: BP4, BP7

CeGaT Center for Human Genetics Tuebingen
Classification: Likely benign. Last evaluated: 2022-10-01. Review status: criteria provided, single submitter. Criteria: CeGaT Center For Human Genetics Tuebingen Variant Classification Criteria Version 2. Collection method: clinical testing. Allele origin: germline. Affected: yes. Observed: 1 variant allele.
Comment: SBF1: BP4, BP7

NM_002972.4(SBF1):c.3018C>T (p.Leu1006=)

Gene: SBF1 (SET binding factor 1; minus strand). Cytogenetic location: 22q13.33.
Variant type: single nucleotide variant.
Coding change: c.3018C>T on transcript NM_002972.4 (MANE Select); coding-DNA position 3018, C replaced by T.
Protein change: p.Leu1006=; no amino-acid change (leucine 1006 retained).
Molecular consequence: synonymous variant.
Genome position (GRCh38, 1-based): chr22:50,460,662, G>A on the plus strand (C>T on the coding strand, the complement: SBF1 is on the minus strand). VCF-style: chr22-50460662-G-A. GRCh37 (hg19) VCF-style: chr22-50899091-G-A.
Other names: p.Leu1006=; c.3021C>T, p.Leu1007= (NM_001365819.1).
Identifiers: ClinVar variation 739671 (VCV000739671.35), dbSNP rs374823102, ClinGen allele CA10316913.